The following is an entry in ClinVar:

ClinVar aggregate classification (germline): Uncertain significance. Review status: criteria provided, multiple submitters, no conflicts (2 of 4 stars). 2 submissions from 2 submitters: Uncertain significance (2). Last evaluated 2026-06-01.

Allele frequency attached by ClinVar (database versions not stated): gnomAD 0.00004 and 0.00003; TOPMed 0.00003; ExAC 0.00002; gnomAD exomes 0.00002.
gnomAD v4.1: 20 of 1,602,822 alleles (0.0012%); highest among the groups gnomAD compares: Middle Eastern, 0.016%; no homozygotes.

Submissions (2):

CeGaT Center for Human Genetics Tuebingen
Classification: Uncertain significance. Last evaluated: 2026-06-01. Review status: criteria provided, single submitter. Criteria: CeGaT Center For Human Genetics Tuebingen Variant Classification Criteria Version 2. Collection method: clinical testing. Allele origin: germline. Affected: yes. Observed: 1 variant allele.
Comment: MYO15A: PM2, BP4

GeneDx
Classification: Uncertain significance. Last evaluated: 2021-06-04. Review status: criteria provided, single submitter. Criteria: GeneDx Variant Classification Process June 2021. Collection method: clinical testing. Allele origin: germline. Affected: yes.
Comment: Not observed at significant frequency in large population cohorts (Lek et al., 2016); In silico analysis supports that this missense variant does not alter protein structure/function; Has not been previously published as pathogenic or benign to our knowledge; This variant is associated with the following publications: (PMID: 27535533)

NM_016239.4(MYO15A):c.10081G>A (p.Val3361Met)

Gene: MYO15A (myosin XVA; plus strand). Cytogenetic location: 17p11.2.
Variant type: single nucleotide variant.
Coding change: c.10081G>A on transcript NM_016239.4 (MANE Select); coding-DNA position 10081, G replaced by A.
Protein change: p.Val3361Met; replaces valine 3361 with methionine.
Molecular consequence: missense variant.
Genome position (GRCh38, 1-based): chr17:18,167,722, G>A. VCF-style: chr17-18167722-G-A. GRCh37 (hg19) VCF-style: chr17-18071036-G-A.
Other names: short protein forms V3361M.
Identifiers: ClinVar variation 1204667 (VCV001204667.5), dbSNP rs773647512, ClinGen allele CA8425783.